The following is an entry in ClinVar:

NM_001458.5(FLNC):c.3463C>G (p.Pro1155Ala)

Gene: FLNC (filamin C; plus strand). Cytogenetic location: 7q32.1.
Variant type: single nucleotide variant.
Coding change: c.3463C>G on transcript NM_001458.5 (MANE Select); coding-DNA position 3463, C replaced by G.
Protein change: p.Pro1155Ala; replaces proline 1155 with alanine.
Molecular consequence: missense variant.
Genome position (GRCh38, 1-based): chr7:128,844,928, C>G. VCF-style: chr7-128844928-C-G. GRCh37 (hg19) VCF-style: chr7-128484982-C-G.
Other names: c.3463C>G, p.Pro1155Ala (NM_001127487.2); c.3463C>G (NM_001458.4); short protein forms P1155A.
Identifiers: ClinVar variation 1059644 (VCV001059644.10), dbSNP rs745361779, ClinGen allele CA4475046.
Genomic context (GRCh38, chr7:128,844,928, plus strand): 5'-TTTGCTGAGGCCCACATCCCTGGCTCGCCCTTCAAAGCCACCATTCGGCCTGTGTTTGAC[C>G]CGAGCAAGGTGCGGGCCAGTGGACCGGGCCTGGAGCGCGGCAAGGTCGGTGAGGCAGCCA-3'
Protein context (NP_001449.3, residues 1145-1165): FKATIRPVFD[Pro1155Ala]SKVRASGPGL

ClinVar aggregate classification (germline): Uncertain significance. Review status: criteria provided, multiple submitters, no conflicts (2 of 4 stars). 2 submissions from 2 submitters: Uncertain significance (2). Last evaluated 2025-08-22.

Conditions:
Distal myopathy with posterior leg and anterior hand involvement. Also called: WILLIAMS DISTAL MYOPATHY. Identifiers: Orphanet 63273, MedGen C3279722, MONDO:0013550, OMIM 614065.
Myofibrillar myopathy 5. Also called: Filaminopathy (type); FILAMINOPATHY, AUTOSOMAL DOMINANT. Identifiers: Orphanet 171445, MedGen C1836050, MONDO:0012289, OMIM 609524.
Hypertrophic cardiomyopathy 26. Also called: Cardiomyopathy, familial hypertrophic, 26. Identifiers: Orphanet 75249, MedGen C4310749, MONDO:0014883, OMIM 617047.
Cardiovascular phenotype. Identifiers: MedGen CN230736.

Allele frequency attached by ClinVar (database versions not stated): gnomAD exomes below 0.00001; ExAC 0.00001.
gnomAD v4.1: 4 of 1,613,898 alleles (0.00025%); highest among the groups gnomAD compares: East Asian, 0.0067%; no homozygotes.

Submissions (2):

Labcorp Genetics (formerly Invitae), Labcorp
Classification: Uncertain significance for Distal myopathy with posterior leg and anterior hand involvement; Myofibrillar myopathy 5; Hypertrophic cardiomyopathy 26. Last evaluated: 2025-08-22. Review status: criteria provided, single submitter. Criteria: Invitae Variant Classification Sherloc (09022015). Collection method: clinical testing. Allele origin: germline.
Comment: This sequence change replaces proline, which is neutral and non-polar, with alanine, which is neutral and non-polar, at codon 1155 of the FLNC protein (p.Pro1155Ala). This variant is present in population databases (rs745361779, gnomAD 0.006%). This variant has not been reported in the literature in individuals affected with FLNC-related conditions. ClinVar contains an entry for this variant (Variation ID: 1059644). Invitae Evidence Modeling of protein sequence and biophysical properties (such as structural, functional, and spatial information, amino acid conservation, physicochemical variation, residue mobility, and thermodynamic stability) has been performed for this missense variant. However, the output from this modeling did not meet the statistical confidence thresholds required to predict the impact of this variant on FLNC protein function. In summary, the available evidence is currently insufficient to determine the role of this variant in disease. Therefore, it has been classified as a Variant of Uncertain Significance.

Ambry Genetics
Classification: Uncertain significance for Cardiovascular phenotype. Last evaluated: 2024-08-19. Review status: criteria provided, single submitter. Criteria: Ambry Variant Classification Scheme 2023. Collection method: clinical testing. Allele origin: germline.
Comment: The p.P1155A variant (also known as c.3463C>G), located in coding exon 21 of the FLNC gene, results from a C to G substitution at nucleotide position 3463. The proline at codon 1155 is replaced by alanine, an amino acid with highly similar properties. This amino acid position is conserved. In addition, this alteration is predicted to be tolerated by in silico analysis. Based on the available evidence, the clinical significance of this variant remains unclear.